The following is an entry in ClinVar:

ClinVar aggregate classification (germline): Uncertain significance. Review status: criteria provided, multiple submitters, no conflicts (2 of 4 stars). 2 submissions from 2 submitters: Uncertain significance (2). Last evaluated 2024-04-08.

Conditions:
Inborn genetic diseases. Identifiers: MedGen C0950123, MeSH D030342.
Congenital myotonia, autosomal recessive form. Also called: Becker Generalized Myotonia; BECKER DISEASE; myotonia congenita, autosomal recessive. Identifiers: Orphanet 614, MedGen C0751360, MONDO:0009715, OMIM 255700.
Congenital myotonia, autosomal dominant form (THD). Also called: THOMSEN DISEASE; Myotonia congenita autosomal dominant. Identifiers: Orphanet 614, MedGen C2936781, MONDO:0008055, OMIM 160800.

Allele frequency attached by ClinVar (database versions not stated): ExAC 0.00002; gnomAD exomes 0.00004 and 0.00008; gnomAD 0.00005; TOPMed 0.00007.
gnomAD v4.1: 75 of 1,614,112 alleles (0.0046%); highest among the groups gnomAD compares: Middle Eastern, 0.082%; no homozygotes.

Submissions (2):

Labcorp Genetics (formerly Invitae), Labcorp
Classification: Uncertain significance for Congenital myotonia, autosomal recessive form; Congenital myotonia, autosomal dominant form. Last evaluated: 2024-04-08. Review status: criteria provided, single submitter. Criteria: Invitae Variant Classification Sherloc (09022015). Collection method: clinical testing. Allele origin: germline.
Comment: This sequence change replaces glycine, which is neutral and non-polar, with serine, which is neutral and polar, at codon 222 of the CLCN1 protein (p.Gly222Ser). This variant is present in population databases (rs747078264, gnomAD 0.1%). This missense change has been observed in individual(s) with autosomal recessive myotonia congenita (PMID: 23810313). ClinVar contains an entry for this variant (Variation ID: 521921). Advanced modeling of protein sequence and biophysical properties (such as structural, functional, and spatial information, amino acid conservation, physicochemical variation, residue mobility, and thermodynamic stability) has been performed at Invitae for this missense variant, however the output from this modeling did not meet the statistical confidence thresholds required to predict the impact of this variant on CLCN1 protein function. Experimental studies have shown that this missense change does not substantially affect CLCN1 function (PMID: 34529042). In summary, the available evidence is currently insufficient to determine the role of this variant in disease. Therefore, it has been classified as a Variant of Uncertain Significance.

Ambry Genetics
Classification: Uncertain significance for Inborn genetic diseases. Last evaluated: 2017-07-05. Review status: criteria provided, single submitter. Criteria: Ambry exome assertion method (8-5-2015). Collection method: clinical testing. Allele origin: germline. Affected: yes. Observed: 1 variant allele.

Literature cited by the submitters: PubMed 23810313 (cited by Labcorp Genetics (formerly Invitae), Labcorp and Ambry Genetics); PubMed 34529042 (cited by Labcorp Genetics (formerly Invitae), Labcorp).

NM_000083.3(CLCN1):c.664G>A (p.Gly222Ser)

Gene: CLCN1 (chloride voltage-gated channel 1; plus strand). Cytogenetic location: 7q34.
Variant type: single nucleotide variant.
Coding change: c.664G>A on transcript NM_000083.3 (MANE Select); coding-DNA position 664, G replaced by A.
Protein change: p.Gly222Ser; replaces glycine 222 with serine.
Molecular consequence: missense variant. On other transcripts: non-coding transcript variant (1).
Genome position (GRCh38, 1-based): chr7:143,321,816, G>A. VCF-style: chr7-143321816-G-A. GRCh37 (hg19) VCF-style: chr7-143018909-G-A.
Other names: short protein forms G222S.
Identifiers: ClinVar variation 521921 (VCV000521921.8), dbSNP rs747078264, ClinGen allele CA4537029.
Genomic context (GRCh38, chr7:143,321,816, plus strand): 5'-GTCCTGAAGGAATACCTCACAATGAAAGCCTTTGTGGCCAAGGTTGTCGCCCTGACTGCG[G>A]GCCTGGGCAGTGGCATCCCCGTGGGGAAAGAGGTAGGCCTGGCATGACTGAAGCCAGAGC-3'
Protein context (NP_000074.3, residues 212-232): FVAKVVALTA[Gly222Ser]LGSGIPVGKE